The following is an entry in ClinVar:

ClinVar aggregate classification (germline): Benign/Likely benign. Review status: criteria provided, multiple submitters, no conflicts (2 of 4 stars). 5 submissions from 5 submitters: Benign (1); Likely benign (3). 1 of the submissions does not count toward it. Last evaluated 2025-12-30.

Conditions:
DBT-related disorder. Also called: DBT-related condition.
Maple syrup urine disease (MSUD). Identifiers: Orphanet 511, MedGen C0024776, MeSH D008375, MONDO:0009563. Disease mechanism: loss of function.

Allele frequency attached by ClinVar (database versions not stated): gnomAD exomes 0.00021 and 0.00078; gnomAD 0.00024 and 0.00036; TOPMed 0.00049; ExAC 0.00069; 1000 Genomes Project 30x 0.00172; 1000 Genomes Project 0.00180.
gnomAD v4.1: 353 of 1,614,180 alleles (0.022%); highest among the groups gnomAD compares: East Asian, 0.68%; no homozygotes.

Submissions (5):

Labcorp Genetics (formerly Invitae), Labcorp
Classification: Benign for Maple syrup urine disease. Last evaluated: 2025-12-30. Review status: criteria provided, single submitter. Criteria: Invitae Variant Classification Sherloc (09022015). Collection method: clinical testing. Allele origin: germline.

Genome-Nilou Lab
Classification: Likely benign for Maple syrup urine disease type 1A. Last evaluated: 2023-04-11. Review status: criteria provided, single submitter. Criteria: ACMG Guidelines, 2015. Collection method: clinical testing. Allele origin: germline. Affected: no.

Genetic Services Laboratory, University of Chicago
Classification: Likely benign. Last evaluated: 2016-04-12. Review status: criteria provided, single submitter. Criteria: ACMG Guidelines, 2015. Collection method: clinical testing. Allele origin: germline. Affected: no.

Breakthrough Genomics
Classification: Likely benign. Review status: criteria provided, single submitter. Criteria: ACMG Guidelines, 2015. Collection method: not provided. Allele origin: germline. Inheritance: Autosomal recessive inheritance. Affected: yes.

PreventionGenetics, part of Exact Sciences
Classification: Benign for DBT-related condition. Last evaluated: 2019-07-02. Review status: no assertion criteria provided. Collection method: clinical testing. Allele origin: germline. Not counted in ClinVar's aggregate classification.
Comment: This variant is classified as benign based on ACMG/AMP sequence variant interpretation guidelines (Richards et al. 2015 PMID: 25741868, with internal and published modifications).

NM_001918.5(DBT):c.37A>G (p.Asn13Asp)

Gene: DBT (dihydrolipoamide branched chain transacylase E2; minus strand). Cytogenetic location: 1p21.2.
Variant type: single nucleotide variant.
Coding change: c.37A>G on transcript NM_001918.5 (MANE Select); coding-DNA position 37, A replaced by G.
Protein change: p.Asn13Asp; replaces asparagine 13 with aspartic acid.
Molecular consequence: missense variant.
Genome position (GRCh38, 1-based): chr1:100,249,784, T>C on the plus strand (A>G on the coding strand, the complement: DBT is on the minus strand). VCF-style: chr1-100249784-T-C. GRCh37 (hg19) VCF-style: chr1-100715340-T-C.
Other names: short protein forms N13D.
Identifiers: ClinVar variation 210825 (VCV000210825.22), dbSNP rs140308307, ClinGen allele CA207401.